The following is an entry in ClinVar:

ClinVar aggregate classification (germline): Likely pathogenic (1 of 4 stars; one submission).

Submission:

Labcorp Genetics (formerly Invitae), Labcorp
Classification: Likely pathogenic. Last evaluated: 2022-12-23. Review status: criteria provided, single submitter. Criteria: Invitae Variant Classification Sherloc (09022015). Collection method: clinical testing. Allele origin: germline.
Comment: This variant has been observed in individual(s) with ABCG8-related conditions (PMID: 24657386, 34969652). In at least one individual the data is consistent with being in trans (on the opposite chromosome) from a pathogenic variant. This variant is present in population databases (rs764857208, gnomAD 0.005%). This variant, c.1709_1711del, results in the deletion of 1 amino acid(s) of the ABCG8 protein (p.Phe570del), but otherwise preserves the integrity of the reading frame. In summary, the currently available evidence indicates that the variant is pathogenic, but additional data are needed to prove that conclusively. Therefore, this variant has been classified as Likely Pathogenic.

Literature cited by the submitters: PubMed 24657386; PubMed 34969652.

NM_022437.3(ABCG8):c.1709_1711del (p.Phe570del)

Gene: ABCG8 (ATP binding cassette subfamily G member 8; plus strand). Cytogenetic location: 2p21.
Variant type: Deletion.
Coding change: c.1709_1711del on transcript NM_022437.3 (MANE Select); coding-DNA positions 1709 to 1711, 3 bases deleted (TCT; older notation c.1709_1711delTCT).
Protein change: p.Phe570del; deletes phenylalanine 570.
Molecular consequence: inframe deletion.
Genome position (GRCh38, 1-based): chr2:43,875,366-43,875,368, TCT deleted; deleting any 3 consecutive bases within chr2:43,875,364-43,875,368 gives the same sequence; the c. name uses the placement nearest the transcript's 3' end. VCF-style (leftmost placement, unchanged base first): chr2-43875363-CCTT-C. GRCh37 (hg19) VCF-style: chr2-44102502-CCTT-C.
Other names: c.1706_1708del, p.Phe569del (NM_001357321.2); short protein forms F569del, F570del.
Identifiers: ClinVar variation 2734170 (VCV002734170.3), dbSNP rs764857208, ClinGen allele CA1637599.